The following is an entry in ClinVar:

ClinVar aggregate classification (germline): Uncertain significance (1 of 4 stars; one submission).

Conditions:
Multiple endocrine neoplasia, type 1 (MEN1). Also called: MEA I; MEN I; WERMER SYNDROME; Endocrine adenomatosis multiple; MEN 1. Identifiers: Orphanet 652, MedGen C0025267, MeSH D018761, MONDO:0007540, OMIM 131100.

Allele frequency attached by ClinVar (database versions not stated): gnomAD exomes below 0.00001.
gnomAD v4.1: 1 of 1,597,230 alleles (0.000063%); highest among the groups gnomAD compares: Non-Finnish European, 0.000085%; no homozygotes.

Submission:

Labcorp Genetics (formerly Invitae), Labcorp
Classification: Uncertain significance for Multiple endocrine neoplasia, type 1. Last evaluated: 2021-08-02. Review status: criteria provided, single submitter. Criteria: Invitae Variant Classification Sherloc (09022015). Collection method: clinical testing. Allele origin: germline.
Comment: In summary, the available evidence is currently insufficient to determine the role of this variant in disease. Therefore, it has been classified as a Variant of Uncertain Significance. Advanced modeling of protein sequence and biophysical properties (such as structural, functional, and spatial information, amino acid conservation, physicochemical variation, residue mobility, and thermodynamic stability) performed at Invitae indicates that this missense variant is not expected to disrupt MEN1 protein function. This variant has not been reported in the literature in individuals affected with MEN1-related conditions. This variant is not present in population databases (ExAC no frequency). This sequence change replaces glutamic acid with glycine at codon 474 of the MEN1 protein (p.Glu474Gly). The glutamic acid residue is moderately conserved and there is a moderate physicochemical difference between glutamic acid and glycine.

NM_001370259.2(MEN1):c.1421A>G (p.Glu474Gly)

Gene: MEN1 (menin 1; minus strand). Cytogenetic location: 11q13.1.
Variant type: single nucleotide variant.
Coding change: c.1421A>G on transcript NM_001370259.2 (MANE Select); coding-DNA position 1421, A replaced by G.
Protein change: p.Glu474Gly; replaces glutamic acid 474 with glycine.
Molecular consequence: missense variant.
Genome position (GRCh38, 1-based): chr11:64,804,746, T>C on the plus strand (A>G on the coding strand, the complement: MEN1 is on the minus strand). VCF-style: chr11-64804746-T-C. GRCh37 (hg19) VCF-style: chr11-64572218-T-C.
Other names: c.1436A>G, p.Glu479Gly (NM_130803.3, NM_130804.3, NM_000244.4 and 3 more transcripts); c.1547A>G, p.Glu516Gly (NM_001370251.2); c.1421A>G, p.Glu474Gly (NM_001370260.2, NM_001370261.2, NM_130799.3); c.1316A>G, p.Glu439Gly (NM_001370262.2, NM_001370263.2); short protein forms E439G, E479G, E516G, E474G.
Identifiers: ClinVar variation 1430587 (VCV001430587.6), dbSNP rs2136090940, ClinGen allele CA381179431.
Genomic context (GRCh38, chr11:64,804,746, plus strand): 5'-GGCGGGGGCTCCTCTGGCTTGGACTCCCGCCGTGGGCCCCGCCGCCGGCCTTCCCGGGCT[T>C]CCTCGCCCCACGGCTCCTCGGCCTCGGCCGCCTCGGCCTCTCGGCTCACTATGCGCACCT-3'
Protein context (NP_001357188.2, residues 464-484): AAEAEEPWGE[Glu474Gly]AREGRRRGPR